The following is an entry in ClinVar:

ClinVar aggregate classification (germline): Uncertain significance (3 of 4 stars; one submission).

Conditions:
Monogenic diabetes. Identifiers: Orphanet 183625, MedGen C3888631, MONDO:0015967.

Submission:

ClinGen Monogenic Diabetes Variant Curation Expert Panel
Classification: Uncertain significance for Monogenic diabetes. Last evaluated: 2024-05-09. Review status: reviewed by expert panel. Criteria: ClinGen Diabetes ACMG Specifications HNF4A V2.0.0. Collection method: curation. Allele origin: germline. Inheritance: Autosomal dominant inheritance.
Comment: The c.641C>T variant in the hepatocyte nuclear factor 4 alpha gene, HNF4A, causes an amino acid change of serine to phenylalanine at codon 214 (p.(Ser214Phe)) of NM_175914.5. This variant is located within the ligand-binding domain (codons 180-220) of HNF4A, which is defined as critical for the protein's function by the ClinGen MDEP (PM1_Supporting). It is also predicted to be deleterious by computational evidence, with a REVEL score of 0.979, which is greater than the MDEP VCEP threshold of 0.70 (PP3). This variant is absent in gnomAD v2.1.1 (PM2_Supporting). This variant segregated with diabetes with one informative meiosis in this individual's family; however, this does not meet the thresholds for PP1 set by the ClinGen MDEP (PMID: 27236918, internal lab contributor). Additionally, a number of other missense variants at this codon (c.640T>G, p.Ser214Ala; c.640T>A, p.Ser214Thr; c.641C>A, p.Ser214Tyr) have been classified as a VUS by the ClinGen MDEP; therefore, PM5 will not be applied. In summary, c.641C>T meets the criteria to be classified as a variant of uncertain significance for monogenic diabetes. ACMG/AMP criteria applied, as specified by the ClinGen MDEP (specification version 2.0.0, approved 10/11/2023): PP4_Moderate, PP3, PM1_Supporting, PM2_Supporting.

NM_175914.5(HNF4A):c.641C>T (p.Ser214Phe)

Gene: HNF4A (hepatocyte nuclear factor 4 alpha; plus strand). Cytogenetic location: 20q13.12.
Variant type: single nucleotide variant.
Coding change: c.641C>T on transcript NM_175914.5 (MANE Select); coding-DNA position 641, C replaced by T.
Protein change: p.Ser214Phe; replaces serine 214 with phenylalanine.
Molecular consequence: missense variant.
Genome position (GRCh38, 1-based): chr20:44,418,483, C>T. VCF-style: chr20-44418483-C-T. GRCh37 (hg19) VCF-style: chr20-43047123-C-T.
Other names: NM_175914.5:c.641C>T; c.707C>T, p.Ser236Phe (NM_000457.6, NM_178849.3, NM_178850.3); c.641C>T, p.Ser214Phe (NM_001030003.3, NM_001030004.3); c.686C>T, p.Ser229Phe (NM_001258355.2); c.632C>T, p.Ser211Phe (NM_001287182.2, NM_001287183.2, NM_001287184.2); short protein forms S211F, S214F, S229F, S236F.
Identifiers: ClinVar variation 3238973 (VCV003238973.1), dbSNP rs2515693213.